The following is an entry in ClinVar:

ClinVar aggregate classification (germline): Uncertain significance (1 of 4 stars; one submission).

gnomAD v4.1: 2 of 1,614,036 alleles (0.00012%); highest among the groups gnomAD compares: Non-Finnish European, 0.00017%; no homozygotes.

Submission:

CeGaT Center for Human Genetics Tuebingen
Classification: Uncertain significance. Last evaluated: 2026-09-01. Review status: criteria provided, single submitter. Criteria: CeGaT Center For Human Genetics Tuebingen Variant Classification Criteria Version 2. Collection method: clinical testing. Allele origin: germline. Affected: yes. Observed: 1 variant allele.
Comment: SYNE2: PM2:Supporting

NM_182914.3(SYNE2):c.18623G>T (p.Arg6208Leu)

Gene: SYNE2 (spectrin repeat containing nuclear envelope protein 2; plus strand). Cytogenetic location: 14q23.2.
Variant type: single nucleotide variant.
Coding change: c.18623G>T on transcript NM_182914.3 (MANE Select); coding-DNA position 18623, G replaced by T.
Protein change: p.Arg6208Leu; replaces arginine 6208 with leucine.
Molecular consequence: missense variant.
Genome position (GRCh38, 1-based): chr14:64,210,024, G>T. VCF-style: chr14-64210024-G-T. GRCh37 (hg19) VCF-style: chr14-64676742-G-T.
Other names: c.18623G>T, p.Arg6208Leu (NM_015180.6); short protein forms R6208L.
Identifiers: ClinVar variation 5041861 (VCV005041861.1).